The following is an entry in ClinVar:

NM_001127511.3(APC):c.-156C>T

Gene: APC (APC regulator of Wnt signaling pathway; plus strand). Cytogenetic location: 5q22.2.
Variant type: single nucleotide variant.
Coding change: c.-156C>T on transcript NM_001127511.3; 156 bases upstream of the start codon, C replaced by T.
Molecular consequence: 5 prime UTR variant. On other transcripts: non-coding transcript variant (2).
Genome position (GRCh38, 1-based): chr5:112,707,562, C>T. VCF-style: chr5-112707562-C-T. GRCh37 (hg19) VCF-style: chr5-112043259-C-T.
Other names: c.-339C>T (NM_001354895.2, NM_001407447.1, NM_001407452.1 and 3 more transcripts); c.-156C>T (NM_001354897.2, NM_001354902.2, NM_001407446.1); c.-106C>T (NM_001407448.1, NM_001407450.1, NM_001407457.1 and 1 more transcripts); c.-130C>T (NM_001407453.1); c.-1374C>T (NM_001407470.1, NM_001407472.1).
Identifiers: ClinVar variation 537650 (VCV000537650.9), dbSNP rs1031181133, ClinGen allele CA124924889.

ClinVar aggregate classification (germline): Uncertain significance (1 of 4 stars; one submission).

Conditions:
Familial adenomatous polyposis 1 (FAP1). Also called: FAMILIAL ADENOMATOUS POLYPOSIS 1, ATTENUATED; POLYPOSIS, ADENOMATOUS INTESTINAL. Identifiers: MedGen C2713442, MONDO:0021056, OMIM 175100. Disease mechanism: loss of function.

Allele frequency attached by ClinVar (database versions not stated): gnomAD 0.00001; TOPMed 0.00001; gnomAD exomes 0.00002.
gnomAD v4.1: 10 of 705,402 alleles (0.0014%); highest among the groups gnomAD compares: East Asian, 0.016%; no homozygotes.

Submission:

Labcorp Genetics (formerly Invitae), Labcorp
Classification: Uncertain significance for Familial adenomatous polyposis 1. Last evaluated: 2026-01-18. Review status: criteria provided, single submitter. Criteria: Invitae Variant Classification Sherloc (09022015). Collection method: clinical testing. Allele origin: germline.
Comment: This variant occurs in a non-coding region of the APC gene. It does not change the encoded amino acid sequence of the APC protein. This variant is not present in population databases (gnomAD no frequency). This variant has not been reported in the literature in individuals affected with APC-related conditions. ClinVar contains an entry for this variant (Variation ID: 537650). Experimental studies and prediction algorithms are not available or were not evaluated, and the functional significance of this variant is currently unknown. In summary, the available evidence is currently insufficient to determine the role of this variant in disease. Therefore, it has been classified as a Variant of Uncertain Significance.